The following is an entry in ClinVar:

NM_004995.4(MMP14):c.160A>C (p.Thr54Pro)

Gene: MMP14 (matrix metallopeptidase 14; plus strand). Cytogenetic location: 14q11.2.
Variant type: single nucleotide variant.
Coding change: c.160A>C on transcript NM_004995.4 (MANE Select); coding-DNA position 160, A replaced by C.
Protein change: p.Thr54Pro; replaces threonine 54 with proline.
Molecular consequence: missense variant.
Genome position (GRCh38, 1-based): chr14:22,841,542, A>C. VCF-style: chr14-22841542-A-C. GRCh37 (hg19) VCF-style: chr14-23310751-A-C.
Other names: short protein forms T54P.
Identifiers: ClinVar variation 1720119 (VCV001720119.5), dbSNP rs1566481346, ClinGen allele CA388929142.
Genomic context (GRCh38, chr14:22,841,542, plus strand): 5'-TCCCTACAGGCCTGGCTACAGCAATATGGCTACCTGCCTCCCGGGGACCTACGTACCCAC[A>C]CACAGCGCTCACCCCAGTCACTCTCAGCGGCCATCGCTGCCATGCAGAAGTTTTACGGCT-3'
Protein context (NP_004986.1, residues 44-64): YLPPGDLRTH[Thr54Pro]QRSPQSLSAA

ClinVar aggregate classification (germline): Uncertain significance (1 of 4 stars; one submission).

Allele frequency attached by ClinVar (database versions not stated): gnomAD 0.00001; TOPMed 0.00001.
gnomAD v4.1: 1 of 1,614,016 alleles (0.000062%); highest among the groups gnomAD compares: Admixed American, 0.0017%; no homozygotes.

Submission:

Labcorp Genetics (formerly Invitae), Labcorp
Classification: Uncertain significance. Last evaluated: 2022-09-23. Review status: criteria provided, single submitter. Criteria: Invitae Variant Classification Sherloc (09022015). Collection method: clinical testing. Allele origin: germline.
Comment: In summary, the available evidence is currently insufficient to determine the role of this variant in disease. Therefore, it has been classified as a Variant of Uncertain Significance. Advanced modeling of protein sequence and biophysical properties (such as structural, functional, and spatial information, amino acid conservation, physicochemical variation, residue mobility, and thermodynamic stability) performed at Invitae indicates that this missense variant is not expected to disrupt MMP14 protein function. This sequence change replaces threonine, which is neutral and polar, with proline, which is neutral and non-polar, at codon 54 of the MMP14 protein (p.Thr54Pro). This variant is not present in population databases (gnomAD no frequency). This variant has not been reported in the literature in individuals affected with MMP14-related conditions.